The following is an entry in ClinVar:

ClinVar aggregate classification (germline): Uncertain significance (1 of 4 stars; one submission).

Submission:

Ambry Genetics
Classification: Uncertain significance. Last evaluated: 2025-05-09. Review status: criteria provided, single submitter. Criteria: Ambry Variant Classification Scheme 2023. Collection method: clinical testing. Allele origin: germline.
Comment: The p.L178V variant (also known as c.532C>G), located in coding exon 1 of the MC1R gene, results from a C to G substitution at nucleotide position 532. The leucine at codon 178 is replaced by valine, an amino acid with highly similar properties. This amino acid position is conserved. In addition, this alteration is predicted to be tolerated by in silico analysis. Based on the available evidence, the clinical significance of this variant remains unclear.

NM_002386.4(MC1R):c.532C>G (p.Leu178Val)

Gene: MC1R (melanocortin 1 receptor; plus strand). Cytogenetic location: 16q24.3.
Variant type: single nucleotide variant.
Coding change: c.532C>G on transcript NM_002386.4 (MANE Select); coding-DNA position 532, C replaced by G.
Protein change: p.Leu178Val; replaces leucine 178 with valine.
Molecular consequence: missense variant.
Genome position (GRCh38, 1-based): chr16:89,919,790, C>G. VCF-style: chr16-89919790-C-G. GRCh37 (hg19) VCF-style: chr16-89986198-C-G.
Other names: short protein forms L178V.
Identifiers: ClinVar variation 4052430 (VCV004052430.1).